The following is an entry in ClinVar:

NM_197968.4(ZMYM2):c.370G>A (p.Asp124Asn)

Gene: ZMYM2 (zinc finger MYM-type containing 2; plus strand). Cytogenetic location: 13q12.11.
Variant type: single nucleotide variant.
Coding change: c.370G>A on transcript NM_197968.4 (MANE Select); coding-DNA position 370, G replaced by A.
Protein change: p.Asp124Asn; replaces aspartic acid 124 with asparagine.
Molecular consequence: missense variant. On other transcripts: non-coding transcript variant (1).
Genome position (GRCh38, 1-based): chr13:19,993,442, G>A. VCF-style: chr13-19993442-G-A. GRCh37 (hg19) VCF-style: chr13-20567582-G-A.
Other names: c.370G>A, p.Asp124Asn (NM_001190964.4, NM_001190965.4, NM_001353157.2 and 6 more transcripts); c.436G>A, p.Asp146Asn (NM_001353161.3); c.370G>A (NM_003453.3); short protein forms D124N, D146N.
Identifiers: ClinVar variation 3372495 (VCV003372495.2).

ClinVar aggregate classification (germline): Uncertain significance. Review status: criteria provided, multiple submitters, no conflicts (2 of 4 stars). 2 submissions from 2 submitters: Uncertain significance (2). Last evaluated 2025-08-21.

Conditions:
Inborn genetic diseases. Identifiers: MedGen C0950123, MeSH D030342.

gnomAD v4.1: 1 of 1,613,912 alleles (0.000062%); highest among the groups gnomAD compares: Non-Finnish European, 0.000085%; no homozygotes.

Submissions (2):

Ambry Genetics
Classification: Uncertain significance for Inborn genetic diseases. Last evaluated: 2025-08-21. Review status: criteria provided, single submitter. Criteria: Ambry Variant Classification Scheme 2023. Collection method: clinical testing. Allele origin: germline.

GeneDx
Classification: Uncertain significance. Last evaluated: 2024-04-23. Review status: criteria provided, single submitter. Criteria: GeneDx Variant Classification Process June 2021. Collection method: clinical testing. Allele origin: germline. Affected: yes.
Comment: Not observed at significant frequency in large population cohorts (gnomAD); In silico analysis supports that this missense variant has a deleterious effect on protein structure/function; Has not been previously published as pathogenic or benign to our knowledge